The following is an entry in ClinVar:

NM_001370298.3(FGD4):c.980T>A (p.Leu327Gln)

Gene: FGD4 (FYVE, RhoGEF and PH domain containing 4; plus strand). Cytogenetic location: 12p11.21.
Variant type: single nucleotide variant.
Coding change: c.980T>A on transcript NM_001370298.3 (MANE Select); coding-DNA position 980, T replaced by A.
Protein change: p.Leu327Gln; replaces leucine 327 with glutamine.
Molecular consequence: missense variant. On other transcripts: 5 prime UTR variant (2), non-coding transcript variant (1), intron variant (1).
Genome position (GRCh38, 1-based): chr12:32,582,436, T>A. VCF-style: chr12-32582436-T-A. GRCh37 (hg19) VCF-style: chr12-32735370-T-A.
Other names: c.824T>A, p.Leu275Gln (NM_001304481.2); c.-276T>A (NM_001304483.2); c.-583T>A (NM_001304484.2); c.290T>A, p.Leu97Gln (NM_001330373.2, NM_001330374.2, NM_001384130.1); c.980T>A, p.Leu327Gln (NM_001384126.1); c.569T>A, p.Leu190Gln (NM_001384127.1, NM_001384128.1, NM_001384131.1 and 3 more transcripts); c.49-16061T>A (NM_001370297.1); short protein forms L190Q, L275Q, L97Q, L327Q.
Identifiers: ClinVar variation 245858 (VCV000245858.12), dbSNP rs144980336, ClinGen allele CA6506655.

ClinVar aggregate classification (germline): Uncertain significance. Review status: criteria provided, multiple submitters, no conflicts (2 of 4 stars). 5 submissions from 5 submitters: Uncertain significance (5). Last evaluated 2026-05-15.

Conditions:
FGD4-related disorder. Also called: FGD4-related condition.
Inborn genetic diseases. Identifiers: MedGen C0950123, MeSH D030342.
Charcot-Marie-Tooth disease type 4. Also called: Charcot-Marie-Tooth disease, type IV; Charcot-Marie-Tooth, Type 4. Identifiers: Orphanet 64749, MedGen C4082197, MONDO:0018995.
Charcot-Marie-Tooth disease type 4H (CMT4H). Also called: CHARCOT-MARIE-TOOTH DISEASE, AUTOSOMAL RECESSIVE, TYPE 4H; CHARCOT-MARIE-TOOTH DISEASE, DEMYELINATING, AUTOSOMAL RECESSIVE, TYPE 4H; CHARCOT-MARIE-TOOTH NEUROPATHY, TYPE 4H; CHARCOT-MARIE-TOOTH DISEASE, DEMYELINATING, TYPE 4H. Identifiers: Orphanet 99954, MedGen C1836336, MONDO:0012250, OMIM 609311.

Allele frequency attached by ClinVar (database versions not stated): TOPMed 0.00005; gnomAD 0.00006; gnomAD exomes 0.00006; ESP Exome Variant Server 0.00008; ExAC 0.00010.
gnomAD v4.1: 181 of 1,612,110 alleles (0.011%); highest among the groups gnomAD compares: Non-Finnish European, 0.015%; no homozygotes.

Submissions (5):

PreventionGenetics, part of Exact Sciences
Classification: Uncertain significance for FGD4-related condition. Last evaluated: 2026-05-15. Review status: criteria provided, single submitter. Criteria: ACMG Guidelines, 2015. Collection method: clinical testing. Allele origin: germline.
Comment: The FGD4 c.569T>A variant is predicted to result in the amino acid substitution p.Leu190Gln. To our knowledge, this variant has not been reported in the literature. This variant is reported in 0.013% of alleles in individuals of European (non-Finnish) descent in gnomAD. At this time, the clinical significance of this variant is uncertain due to the absence of conclusive functional and genetic evidence.

GeneDx
Classification: Uncertain significance. Last evaluated: 2025-01-15. Review status: criteria provided, single submitter. Criteria: GeneDx Variant Classification Process June 2021. Collection method: clinical testing. Allele origin: germline. Affected: yes.
Comment: Not observed at significant frequency in large population cohorts (gnomAD); In silico analysis supports that this missense variant has a deleterious effect on protein structure/function; Has not been previously published as pathogenic or benign to our knowledge

ARUP Laboratories, Molecular Genetics and Genomics, ARUP Laboratories
Classification: Uncertain significance for Charcot-Marie-Tooth disease type 4H. Last evaluated: 2023-02-17. Review status: criteria provided, single submitter. Criteria: ARUP Molecular Germline Variant Investigation Process 2024. Collection method: clinical testing. Allele origin: germline.
Comment: The FGD4 c.569T>A; p.Leu190Gln variant (rs144980336), to our knowledge, is not reported in the medical literature but is reported in ClinVar (Variation ID: 245858). This variant is found in the general population with an overall allele frequency of 0.0065% (18/278612 alleles) in the Genome Aggregation Database. Computational analyses predict that this variant is neutral (REVEL: 0.100). Due to limited information, the clinical significance of this variant is uncertain at this time.

Labcorp Genetics (formerly Invitae), Labcorp
Classification: Uncertain significance for Charcot-Marie-Tooth disease type 4. Last evaluated: 2022-07-19. Review status: criteria provided, single submitter. Criteria: Invitae Variant Classification Sherloc (09022015). Collection method: clinical testing. Allele origin: germline.
Comment: This sequence change replaces leucine, which is neutral and non-polar, with glutamine, which is neutral and polar, at codon 190 of the FGD4 protein (p.Leu190Gln). This variant is present in population databases (rs144980336, gnomAD 0.01%). This variant has not been reported in the literature in individuals affected with FGD4-related conditions. ClinVar contains an entry for this variant (Variation ID: 245858). Algorithms developed to predict the effect of missense changes on protein structure and function output the following: SIFT: "Deleterious"; PolyPhen-2: "Benign"; Align-GVGD: "Class C0". The glutamine amino acid residue is found in multiple mammalian species, which suggests that this missense change does not adversely affect protein function. In summary, the available evidence is currently insufficient to determine the role of this variant in disease. Therefore, it has been classified as a Variant of Uncertain Significance.

Ambry Genetics
Classification: Uncertain significance for Inborn genetic diseases. Last evaluated: 2021-07-14. Review status: criteria provided, single submitter. Criteria: Ambry Variant Classification Scheme 2023. Collection method: clinical testing. Allele origin: germline.
Comment: The p.L190Q variant (also known as c.569T>A), located in coding exon 2 of the FGD4 gene, results from a T to A substitution at nucleotide position 569. The leucine at codon 190 is replaced by glutamine, an amino acid with dissimilar properties. This amino acid position is conserved. In addition, this alteration is predicted to be tolerated by in silico analysis. Since supporting evidence is limited at this time, the clinical significance of this alteration remains unclear.